The following is an entry in ClinVar:

NM_021076.4(NEFH):c.1949A>T (p.Glu650Val)

Gene: NEFH (neurofilament heavy chain; plus strand). Cytogenetic location: 22q12.2.
Variant type: single nucleotide variant.
Coding change: c.1949A>T on transcript NM_021076.4 (MANE Select); coding-DNA position 1949, A replaced by T.
Protein change: p.Glu650Val; replaces glutamic acid 650 with valine.
Molecular consequence: missense variant.
Genome position (GRCh38, 1-based): chr22:29,489,589, A>T. VCF-style: chr22-29489589-A-T. GRCh37 (hg19) VCF-style: chr22-29885578-A-T.
Other names: short protein forms E650V.
Identifiers: ClinVar variation 1783172 (VCV001783172.2), dbSNP rs2517977911, ClinGen allele CA411132709.

ClinVar aggregate classification (germline): Uncertain significance (1 of 4 stars; one submission).

Conditions:
Inborn genetic diseases. Identifiers: MedGen C0950123, MeSH D030342.

Submission:

Ambry Genetics
Classification: Uncertain significance for Inborn genetic diseases. Last evaluated: 2022-06-21. Review status: criteria provided, single submitter. Criteria: Ambry Variant Classification Scheme 2023. Collection method: clinical testing. Allele origin: germline.
Comment: The p.E650V variant (also known as c.1949A>T), located in coding exon 4 of the NEFH gene, results from an A to T substitution at nucleotide position 1949. The glutamic acid at codon 650 is replaced by valine, an amino acid with dissimilar properties. This amino acid position is conserved. In addition, this alteration is predicted to be tolerated by in silico analysis. Since supporting evidence is limited at this time, the clinical significance of this alteration remains unclear.